The following is an entry in ClinVar:

NM_024809.5(TCTN2):c.1949C>T (p.Pro650Leu)

Gene: TCTN2 (tectonic family member 2; plus strand). Cytogenetic location: 12q24.31.
Variant type: single nucleotide variant.
Coding change: c.1949C>T on transcript NM_024809.5 (MANE Select); coding-DNA position 1949, C replaced by T.
Protein change: p.Pro650Leu; replaces proline 650 with leucine.
Molecular consequence: missense variant.
Genome position (GRCh38, 1-based): chr12:123,707,038, C>T. VCF-style: chr12-123707038-C-T. GRCh37 (hg19) VCF-style: chr12-124191585-C-T.
Other names: c.1946C>T, p.Pro649Leu (NM_001143850.3); c.1949C>T (NM_024809.3); short protein forms P649L, P650L.
Identifiers: ClinVar variation 883728 (VCV000883728.8), dbSNP rs1393954437, ClinGen allele CA387149016.

ClinVar aggregate classification (germline): Uncertain significance. Review status: criteria provided, multiple submitters, no conflicts (2 of 4 stars). 4 submissions from 3 submitters: Uncertain significance (4). Last evaluated 2024-12-12.

Conditions:
Inborn genetic diseases. Identifiers: MedGen C0950123, MeSH D030342.
Joubert syndrome 24 (JBTS24). Identifiers: Orphanet 475, MedGen C4084841, MONDO:0014724, OMIM 616654.
Meckel-Gruber syndrome. Also called: DYSENCEPHALIA SPLANCHNOCYSTICA; GRUBER SYNDROME; Dysencephalia splachnocystica. Identifiers: Orphanet 564, MedGen C0265215, MONDO:0018921.
Joubert syndrome. Also called: CEREBELLOPARENCHYMAL DISORDER IV; JOUBERT-BOLTSHAUSER SYNDROME; Familial aplasia of the vermis. Identifiers: Orphanet 475, MedGen C5979921, MONDO:0018772.
Meckel syndrome, type 8. Identifiers: Orphanet 564, MedGen C3836857, MONDO:0013482, OMIM 613885.

Allele frequency attached by ClinVar (database versions not stated): gnomAD exomes below 0.00001 and 0.00001; TOPMed 0.00001.
gnomAD v4.1: 15 of 1,613,546 alleles (0.00093%); highest among the groups gnomAD compares: African/African-American, 0.0013%; no homozygotes.

Submissions (4):

Ambry Genetics
Classification: Uncertain significance for Inborn genetic diseases. Last evaluated: 2024-12-12. Review status: criteria provided, single submitter. Criteria: Ambry Variant Classification Scheme 2023. Collection method: clinical testing. Allele origin: germline.

Labcorp Genetics (formerly Invitae), Labcorp
Classification: Uncertain significance for Joubert syndrome; Meckel-Gruber syndrome. Last evaluated: 2023-02-18. Review status: criteria provided, single submitter. Criteria: Invitae Variant Classification Sherloc (09022015). Collection method: clinical testing. Allele origin: germline.
Comment: In summary, the available evidence is currently insufficient to determine the role of this variant in disease. Therefore, it has been classified as a Variant of Uncertain Significance. Advanced modeling of protein sequence and biophysical properties (such as structural, functional, and spatial information, amino acid conservation, physicochemical variation, residue mobility, and thermodynamic stability) performed at Invitae indicates that this missense variant is expected to disrupt TCTN2 protein function. ClinVar contains an entry for this variant (Variation ID: 883728). This variant has not been reported in the literature in individuals affected with TCTN2-related conditions. This variant is present in population databases (no rsID available, gnomAD 0.0009%). This sequence change replaces proline, which is neutral and non-polar, with leucine, which is neutral and non-polar, at codon 650 of the TCTN2 protein (p.Pro650Leu).

Illumina Laboratory Services, Illumina
Classification: Uncertain significance for Meckel syndrome, type 8. Last evaluated: 2018-01-13. Review status: criteria provided, single submitter. Criteria: ICSL Variant Classification Criteria 13 December 2019. Collection method: clinical testing. Allele origin: germline.

Illumina Laboratory Services, Illumina
Classification: Uncertain significance for Joubert syndrome 24. Last evaluated: 2018-01-13. Review status: criteria provided, single submitter. Criteria: ICSL Variant Classification Criteria 13 December 2019. Collection method: clinical testing. Allele origin: germline.